The following is an entry in ClinVar:

NM_001605.3(AARS1):c.1441A>C (p.Thr481Pro)

Gene: AARS1 (alanyl-tRNA synthetase 1; minus strand). Cytogenetic location: 16q22.1.
Variant type: single nucleotide variant.
Coding change: c.1441A>C on transcript NM_001605.3 (MANE Select); coding-DNA position 1441, A replaced by C.
Protein change: p.Thr481Pro; replaces threonine 481 with proline.
Molecular consequence: missense variant.
Genome position (GRCh38, 1-based): chr16:70,265,009, T>G on the plus strand (A>C on the coding strand, the complement: AARS1 is on the minus strand). VCF-style: chr16-70265009-T-G. GRCh37 (hg19) VCF-style: chr16-70298912-T-G.
Other names: short protein forms T481P.
Identifiers: ClinVar variation 2785581 (VCV002785581.3), dbSNP rs2507008228, ClinGen allele CA396561215.

ClinVar aggregate classification (germline): Uncertain significance (1 of 4 stars; one submission).

Conditions:
Charcot-Marie-Tooth disease type 2. Also called: Charcot-Marie-Tooth type 2. Identifiers: Orphanet 64746, MedGen C0270914, MONDO:0018993.

Submission:

Labcorp Genetics (formerly Invitae), Labcorp
Classification: Uncertain significance for Charcot-Marie-Tooth disease type 2. Last evaluated: 2026-01-27. Review status: criteria provided, single submitter. Criteria: Invitae Variant Classification Sherloc (09022015). Collection method: clinical testing. Allele origin: germline.
Comment: This sequence change replaces threonine, which is neutral and polar, with proline, which is neutral and non-polar, at codon 481 of the AARS protein (p.Thr481Pro). This variant is not present in population databases (gnomAD no frequency). This variant has not been reported in the literature in individuals affected with AARS-related conditions. ClinVar contains an entry for this variant (Variation ID: 2785581). Invitae Evidence Modeling of protein sequence and biophysical properties (such as structural, functional, and spatial information, amino acid conservation, physicochemical variation, residue mobility, and thermodynamic stability) has been performed for this missense variant. However, the output from this modeling did not meet the statistical confidence thresholds required to predict the impact of this variant on AARS protein function. In summary, the available evidence is currently insufficient to determine the role of this variant in disease. Therefore, it has been classified as a Variant of Uncertain Significance.